The following is an entry in ClinVar:

NM_017837.4(PIGV):c.881del (p.Pro294fs)

Gene: PIGV (phosphatidylinositol glycan anchor biosynthesis class V; plus strand). Cytogenetic location: 1p36.11.
Variant type: Deletion.
Coding change: c.881del on transcript NM_017837.4 (MANE Select); coding-DNA position 881, one base deleted (C; older notation c.881delC).
Protein change: p.Pro294fs; shifts the reading frame from proline 294.
Molecular consequence: frameshift variant. On other transcripts: non-coding transcript variant (1), intron variant (1).
Genome position (GRCh38, 1-based): chr1:26,794,915, C deleted; the last of 2 consecutive C bases (chr1:26,794,914-26,794,915); deleting either gives the same sequence. VCF-style (leftmost placement, unchanged base first): chr1-26794913-GC-G. GRCh37 (hg19) VCF-style: chr1-27121404-GC-G.
Other names: c.881del, p.Pro294fs (NM_001202554.2, NM_001374478.1, NM_001374480.1 and 2 more transcripts); c.500del, p.Pro167fs (NM_001374483.1); c.254del, p.Pro85fs (NM_001374484.1, NM_001374485.1); c.79-2648del (NM_001374486.1); short protein forms P85fs, P167fs, P294fs.
Identifiers: ClinVar variation 1428859 (VCV001428859.4), dbSNP rs1297288333, ClinGen allele CA521907104.

ClinVar aggregate classification (germline): Uncertain significance (1 of 4 stars; one submission).

Submission:

Labcorp Genetics (formerly Invitae), Labcorp
Classification: Uncertain significance. Last evaluated: 2021-05-19. Review status: criteria provided, single submitter. Criteria: Invitae Variant Classification Sherloc (09022015). Collection method: clinical testing. Allele origin: germline.
Comment: This variant has not been reported in the literature in individuals with PIGV-related conditions. This variant is not present in population databases (ExAC no frequency). This sequence change creates a premature translational stop signal (p.Pro294Leufs*9) in the PIGV gene. It is expected to result in an absent or disrupted protein product. However, the current clinical and genetic evidence is not sufficient to establish whether loss-of-function variants in PIGV cause disease. In summary, the available evidence is currently insufficient to determine the role of this variant in disease. Therefore, it has been classified as a Variant of Uncertain Significance.